The following is an entry in ClinVar:

ClinVar aggregate classification (germline): Likely pathogenic (1 of 4 stars; one submission).

Submission:

Labcorp Genetics (formerly Invitae), Labcorp
Classification: Likely pathogenic. Last evaluated: 2024-11-05. Review status: criteria provided, single submitter. Criteria: Invitae Variant Classification Sherloc (09022015). Collection method: clinical testing. Allele origin: germline.
Comment: This sequence change replaces cysteine, which is neutral and slightly polar, with arginine, which is basic and polar, at codon 2178 of the NSD1 protein (p.Cys2178Arg). This variant is not present in population databases (gnomAD no frequency). This variant has not been reported in the literature in individuals affected with NSD1-related conditions. ClinVar contains an entry for this variant (Variation ID: 1501677). Invitae Evidence Modeling of protein sequence and biophysical properties (such as structural, functional, and spatial information, amino acid conservation, physicochemical variation, residue mobility, and thermodynamic stability) indicates that this missense variant is expected to disrupt NSD1 protein function with a positive predictive value of 95%. This variant disrupts the p.Cys2178 amino acid residue in NSD1. Other variant(s) that disrupt this residue have been determined to be pathogenic (PMID: 17565729; internal data). This suggests that this residue is clinically significant, and that variants that disrupt this residue are likely to be disease-causing. In summary, the currently available evidence indicates that the variant is pathogenic, but additional data are needed to prove that conclusively. Therefore, this variant has been classified as Likely Pathogenic.

Literature cited by the submitters: PubMed 17565729.

NM_022455.5(NSD1):c.6532T>C (p.Cys2178Arg)

Gene: NSD1 (nuclear receptor binding SET domain protein 1; plus strand). Cytogenetic location: 5q35.3.
Variant type: single nucleotide variant.
Coding change: c.6532T>C on transcript NM_022455.5 (MANE Select); coding-DNA position 6532, T replaced by C.
Protein change: p.Cys2178Arg; replaces cysteine 2178 with arginine.
Molecular consequence: missense variant.
Genome position (GRCh38, 1-based): chr5:177,293,900, T>C. VCF-style: chr5-177293900-T-C. GRCh37 (hg19) VCF-style: chr5-176720901-T-C.
Other names: c.5659T>C, p.Cys1887Arg (NM_001365684.2, NM_001409308.1, NM_172349.5); c.6532T>C, p.Cys2178Arg (NM_001409301.1, NM_001409302.1, NM_001409303.1); c.6112T>C, p.Cys2038Arg (NM_001409304.1); c.5779T>C, p.Cys1927Arg (NM_001409305.1); c.5770T>C, p.Cys1924Arg (NM_001409306.1, NM_001409307.1); c.5410T>C, p.Cys1804Arg (NM_001409309.1); short protein forms C1909R, C2178R, C1924R, C2038R, C1804R, C1887R, C1927R.
Identifiers: ClinVar variation 1501677 (VCV001501677.8), dbSNP rs2127279302, ClinGen allele CA362323759.
Genomic context (GRCh38, chr5:177,293,900, plus strand): 5'-GAATGTCCGTGGCATCAGTGTGACATCTGCGGGAAGGAAGCAGCCTCCTTCTGTGAGATG[T>C]GCCCCAGCTCCTTTTGTAAGCAGCATCGAGAAGGGATGCTTTTCATTTCCAAACTGGATG-3'
Protein context (NP_071900.2, residues 2168-2188): GKEAASFCEM[Cys2178Arg]PSSFCKQHRE